The following is an entry in ClinVar:

ClinVar aggregate classification (germline): Pathogenic/Likely pathogenic. Review status: criteria provided, multiple submitters, no conflicts (2 of 4 stars). 7 submissions from 7 submitters: Pathogenic (5); Likely pathogenic (2). Last evaluated 2026-02-03.

Conditions:
FLCN-related disorders.
Hereditary cancer-predisposing syndrome. Also called: Tumor predisposition; Neoplastic Syndromes, Hereditary; Hereditary neoplastic syndrome; Hereditary Cancer Syndrome. Identifiers: Orphanet 140162, MedGen C0027672, MeSH D009386, MONDO:0015356.
Birt-Hogg-Dube syndrome. Also called: Birt Hogg Dubé syndrome. Identifiers: Orphanet 122, MedGen C0346010, MONDO:0800444.

Submissions (7):

Labcorp Genetics (formerly Invitae), Labcorp
Classification: Pathogenic for Birt-Hogg-Dube syndrome. Last evaluated: 2026-02-03. Review status: criteria provided, single submitter. Criteria: Invitae Variant Classification Sherloc (09022015). Collection method: clinical testing. Allele origin: germline.
Comment: This sequence change affects an acceptor splice site in intron 4 of the FLCN gene. It is expected to disrupt RNA splicing. Variants that disrupt the donor or acceptor splice site typically lead to a loss of protein function (PMID: 16199547), and loss-of-function variants in FLCN are known to be pathogenic (PMID: 15852235). This variant is not present in population databases (gnomAD no frequency). Disruption of this splice site has been observed in individuals with Birt-Hogg-Dubé syndrome (PMID: 15852235, 18234728). This variant is also known as IVS4-1G>A. ClinVar contains an entry for this variant (Variation ID: 185318). Algorithms developed to predict the effect of sequence changes on RNA splicing suggest that this variant may disrupt the consensus splice site. For these reasons, this variant has been classified as Pathogenic.

Ambry Genetics
Classification: Pathogenic for Hereditary cancer-predisposing syndrome. Last evaluated: 2025-07-23. Review status: criteria provided, single submitter. Criteria: Ambry Variant Classification Scheme 2023. Collection method: clinical testing. Allele origin: germline.
Comment: The c.250-1G>A intronic pathogenic mutation results from a G to A substitution one nucleotide before coding exon 2 of the FLCN gene. This alteration has been identified in multiple family members diagnosed with Birt-Hogg-Dube (Schmidt LS et al. Am. J. Hum. Genet. 2005 Jun; 76(6):1023-33). Of note, this alteration is also known as IVS4-1G>A in published literature. This variant is considered to be rare based on population cohorts in the Genome Aggregation Database (gnomAD). This nucleotide position is highly conserved in available vertebrate species. In silico splice site analysis predicts that this alteration will weaken the native splice acceptor site and will result in the creation or strengthening of a novel splice acceptor site. Alterations that disrupt the canonical splice site are expected to cause aberrant splicing, resulting in an abnormal protein or a transcript that is subject to nonsense-mediated mRNA decay. As such, this alteration is classified as a disease-causing mutation.

Blueprint Genetics
Classification: Likely pathogenic for FLCN-related disorders. Last evaluated: 2024-07-15. Review status: criteria provided, single submitter. Criteria: ACMG Guidelines, 2015. Collection method: clinical testing. Allele origin: germline. Affected: yes. Observed: 2 variant alleles.

GeneDx
Classification: Pathogenic. Last evaluated: 2024-06-18. Review status: criteria provided, single submitter. Criteria: GeneDx Variant Classification Process June 2021. Collection method: clinical testing. Allele origin: germline. Affected: yes.
Comment: Canonical splice site variant predicted to result in an in-frame loss of the adjacent exon in a gene for which loss of function is a known mechanism of disease; Not observed at significant frequency in large population cohorts (gnomAD); This variant is associated with the following publications: (PMID: 25525159, 19802896, 21937013, 28152038, 29357828, 15852235)

Myriad Genetics, Inc.
Classification: Likely pathogenic for Birt-Hogg-Dube syndrome 1. Last evaluated: 2023-05-12. Review status: criteria provided, single submitter. Criteria: Myriad Autosomal Dominant, Autosomal Recessive and X-Linked Classification Criteria (2023). Collection method: clinical testing. Allele origin: unknown.
Comment: This variant is considered likely pathogenic. This variant occurs within a consensus splice junction and is predicted to result in abnormal mRNA splicing of either an out-of-frame exon or an in-frame exon necessary for protein stability and/or normal function.

MGZ Medical Genetics Center
Classification: Pathogenic for Birt-Hogg-Dube syndrome 1. Last evaluated: 2022-07-15. Review status: criteria provided, single submitter. Criteria: ACMG Guidelines, 2015. Collection method: clinical testing. Allele origin: germline. Affected: yes. Observed: 1 variant allele.
Comment: ACMG criteria applied: PVS1, PS4_SUP, PM2_SUP

Genomic Diagnostic Laboratory, Division of Genomic Diagnostics, Children's Hospital of Philadelphia
Classification: Pathogenic for Birt-Hogg-Dube Syndrome. Last evaluated: 2016-07-18. Review status: criteria provided, single submitter. Criteria: DGD Variant Analysis Guidelines. Collection method: clinical testing. Allele origin: germline. Affected: yes. Observed: 4 variant alleles.
Comment: Clinical Testing

Literature cited by the submitters: PubMed 16199547 (cited by Labcorp Genetics (formerly Invitae), Labcorp); PubMed 15852235 (cited by Labcorp Genetics (formerly Invitae), Labcorp and Ambry Genetics); PubMed 18234728 (cited by Labcorp Genetics (formerly Invitae), Labcorp).

NM_144997.7(FLCN):c.250-1G>A

Gene: FLCN (folliculin; minus strand). Cytogenetic location: 17p11.2.
Variant type: single nucleotide variant.
Coding change: c.250-1G>A on transcript NM_144997.7 (MANE Select); the canonical splice acceptor site of the intron before coding-DNA position 250, G replaced by A.
Molecular consequence: splice acceptor variant.
Genome position (GRCh38, 1-based): chr17:17,226,323, C>T on the plus strand (G>A on the coding strand, the complement: FLCN is on the minus strand). VCF-style: chr17-17226323-C-T. GRCh37 (hg19) VCF-style: chr17-17129637-C-T.
Other names: c.250-1G>A (NM_001353231.2, NM_001353230.2, NM_001353229.2 and 1 more transcripts).
Identifiers: ClinVar variation 185318 (VCV000185318.20), dbSNP rs786202081, ClinGen allele CA191617.